The following is an entry in ClinVar:

ClinVar aggregate classification (germline): Pathogenic (1 of 4 stars; one submission).

Submission:

CeGaT Center for Human Genetics Tuebingen
Classification: Pathogenic. Last evaluated: 2022-07-01. Review status: criteria provided, single submitter. Criteria: CeGaT Center For Human Genetics Tuebingen Variant Classification Criteria Version 2. Collection method: clinical testing. Allele origin: germline. Affected: yes. Observed: 1 variant allele.
Comment: RUNX2: PM1:Strong, PVS1:Strong, PM2, PP4

NM_001024630.4(RUNX2):c.1075_1076del (p.Lys359fs)

Gene: RUNX2 (RUNX family transcription factor 2; plus strand). Cytogenetic location: 6p21.1.
Variant type: Deletion.
Coding change: c.1075_1076del on transcript NM_001024630.4 (MANE Select); coding-DNA positions 1075 to 1076, 2 bases deleted (AA; older notation c.1075_1076delAA).
Protein change: p.Lys359fs; shifts the reading frame from lysine 359.
Molecular consequence: frameshift variant. On other transcripts: intron variant (2).
Genome position (GRCh38, 1-based): chr6:45,545,270-45,545,271, AA deleted. VCF-style (leftmost placement, unchanged base first): chr6-45545269-GAA-G. GRCh37 (hg19) VCF-style: chr6-45513006-GAA-G.
Other names: c.1033_1034del, p.Lys345fs (NM_001369405.1); c.1022-1557_1022-1556del (NM_001015051.4); c.980-1557_980-1556del (NM_001278478.2); short protein forms K345fs, K359fs.
Identifiers: ClinVar variation 1701504 (VCV001701504.31), dbSNP rs2150452051, ClinGen allele CA2580074687.